The following is an entry in ClinVar:

ClinVar aggregate classification (germline): Conflicting classifications of pathogenicity. Review status: criteria provided, conflicting classifications (1 of 4 stars). 8 submissions from 8 submitters: Likely pathogenic (3); Uncertain significance (5). Last evaluated 2026-01-28.

Conditions:
Imerslund-Grasbeck syndrome type 1 (IGS1). Also called: Megaloblastic anemia 1, Finnish type; MEGALOBLASTIC ANEMIA, 1; Imerslund-Gräsbeck syndrome 1. Identifiers: MedGen C4016819, MONDO:0100156, OMIM 261100.
Proteinuria, chronic benign. Identifiers: MedGen C5394384, MONDO:0030042, OMIM 618884.
CUBN-related disorder. Also called: CUBN-related condition.
Imerslund-Grasbeck syndrome. Also called: Megaloblastic anemia due to inborn errors of metabolism; ENTEROCYTE COBALAMIN MALABSORPTION; ENTEROCYTE INTRINSIC FACTOR RECEPTOR, DEFECT OF; PERNICIOUS ANEMIA, JUVENILE, DUE TO SELECTIVE INTESTINAL MALABSORPTION OF VITAMIN B12, WITH PROTEINURIA; Imerslund-Gräsbeck syndrome. Identifiers: Orphanet 35858, MedGen C4551825, MONDO:0009853.

Allele frequency attached by ClinVar (database versions not stated): gnomAD 0.00003; gnomAD exomes 0.00003 and 0.00008; TOPMed 0.00003; ExAC 0.00008.
gnomAD v4.1: 51 of 1,613,962 alleles (0.0032%); highest among the groups gnomAD compares: Non-Finnish European, 0.0042%; 1 homozygote.

Submissions (8):

PreventionGenetics, part of Exact Sciences
Classification: Likely pathogenic for CUBN-related condition. Last evaluated: 2026-01-28. Review status: criteria provided, single submitter. Criteria: ACMG Guidelines, 2015. Collection method: clinical testing. Allele origin: germline.
Comment: The CUBN c.6095G>A variant is predicted to result in the amino acid substitution p.Cys2032Tyr. This variant has been reported in the heterozygous state as a variant of uncertain significance (VUS) in an individual with steroid-resistant nephrotic syndrome, but the second plausibly causative variant was not found (Mansilla et al. 2021. PubMed ID: 31738409). In addition, this variant was found in the compound heterozygous state with an undocumented variant occurring at a highly conserved codon (c.5743G>C, p.Gly1915Arg) in an infant with proteinuria, which was presented in a conference abstract at European Society for Paediatric Nephrology (ESPN) 2025 (Christodoulaki et al. 2025. PubMed ID: 41128879). This variant is reported in 0.017% of alleles in individuals of European (Non-Finnish) descent in gnomAD. Taken together, this variant is interpreted as likely pathogenic.

Labcorp Genetics (formerly Invitae), Labcorp
Classification: Uncertain significance for Imerslund-Grasbeck syndrome. Last evaluated: 2025-06-12. Review status: criteria provided, single submitter. Criteria: Invitae Variant Classification Sherloc (09022015). Collection method: clinical testing. Allele origin: germline.
Comment: This sequence change replaces cysteine, which is neutral and slightly polar, with tyrosine, which is neutral and polar, at codon 2032 of the CUBN protein (p.Cys2032Tyr). This variant is present in population databases (rs201720797, gnomAD 0.02%). This variant has not been reported in the literature in individuals affected with CUBN-related conditions. ClinVar contains an entry for this variant (Variation ID: 695032). Invitae Evidence Modeling of protein sequence and biophysical properties (such as structural, functional, and spatial information, amino acid conservation, physicochemical variation, residue mobility, and thermodynamic stability) indicates that this missense variant is expected to disrupt CUBN protein function with a positive predictive value of 80%. In summary, the available evidence is currently insufficient to determine the role of this variant in disease. Therefore, it has been classified as a Variant of Uncertain Significance.

Blueprint Genetics
Classification: Uncertain significance. Last evaluated: 2024-11-25. Review status: criteria provided, single submitter. Criteria: ACMG Guidelines, 2015. Collection method: clinical testing. Allele origin: germline.

Fulgent Genetics
Classification: Uncertain significance for Imerslund-Grasbeck syndrome type 1; Proteinuria, chronic benign. Last evaluated: 2024-06-11. Review status: criteria provided, single submitter. Criteria: ACMG Guidelines, 2015. Collection method: clinical testing. Allele origin: germline.

3billion
Classification: Uncertain significance for Proteinuria, chronic benign. Last evaluated: 2023-06-09. Review status: criteria provided, single submitter. Criteria: ACMG Guidelines, 2015. Collection method: clinical testing. Allele origin: germline. Affected: yes.
Comment: The variant is observed at an extremely low frequency in the gnomAD v2.1.1 dataset (total allele frequency: 0.008%). Predicted Consequence/Location: Missense variant. Protein truncation variants are a common disease-causing mechanism. Therefore, this variant is classified as VUS according to the recommendation of ACMG/AMP guideline.

Eurofins-Biomnis
Classification: Likely pathogenic for Proteinuria, chronic benign. Last evaluated: 2022-12-01. Review status: criteria provided, single submitter. Criteria: Accession Criteria ClinVar Biomnis. Collection method: clinical testing. Allele origin: germline. Affected: yes. Observed: 1 heterozygote.

GeneDx
Classification: Uncertain significance. Last evaluated: 2019-08-10. Review status: criteria provided, single submitter. Criteria: GeneDx Variant Classification Process June 2021. Collection method: clinical testing. Allele origin: germline. Affected: yes.
Comment: In silico analysis, which includes protein predictors and evolutionary conservation, supports a deleterious effect; Has not been previously published as pathogenic or benign to our knowledge

Center of Genomic medicine, Geneva, University Hospital of Geneva
Classification: Likely pathogenic for Imerslund-Grasbeck syndrome type 1. Last evaluated: 2019-03-18. Review status: criteria provided, single submitter. Criteria: ACMG Guidelines, 2015. Collection method: clinical testing. Allele origin: paternal. Affected: yes. Observed: 2 variant alleles.

NM_001081.4(CUBN):c.6095G>A (p.Cys2032Tyr)

Gene: CUBN (cubilin; minus strand). Cytogenetic location: 10p13.
Variant type: single nucleotide variant.
Coding change: c.6095G>A on transcript NM_001081.4 (MANE Select); coding-DNA position 6095, G replaced by A.
Protein change: p.Cys2032Tyr; replaces cysteine 2032 with tyrosine.
Molecular consequence: missense variant.
Genome position (GRCh38, 1-based): chr10:16,933,116, C>T on the plus strand (G>A on the coding strand, the complement: CUBN is on the minus strand). VCF-style: chr10-16933116-C-T. GRCh37 (hg19) VCF-style: chr10-16975115-C-T.
Other names: short protein forms C2032Y.
Identifiers: ClinVar variation 695032 (VCV000695032.11), dbSNP rs201720797, ClinGen allele CA5423810.